The following is an entry in ClinVar:

NM_000088.4(COL1A1):c.3022C>T (p.Pro1008Ser)

Gene: COL1A1 (collagen type I alpha 1 chain; minus strand). Cytogenetic location: 17q21.33.
Variant type: single nucleotide variant.
Coding change: c.3022C>T on transcript NM_000088.4 (MANE Select); coding-DNA position 3022, C replaced by T.
Protein change: p.Pro1008Ser; replaces proline 1008 with serine.
Molecular consequence: missense variant.
Genome position (GRCh38, 1-based): chr17:50,188,926, G>A on the plus strand (C>T on the coding strand, the complement: COL1A1 is on the minus strand). VCF-style: chr17-50188926-G-A. GRCh37 (hg19) VCF-style: chr17-48266287-G-A.
Other names: short protein forms P1008S.
Identifiers: ClinVar variation 1315018 (VCV001315018.8), dbSNP rs1199013401, ClinGen allele CA400203743.

ClinVar aggregate classification (germline): Conflicting classifications of pathogenicity. Review status: criteria provided, conflicting classifications (1 of 4 stars). 3 submissions from 3 submitters: Uncertain significance (1); Likely benign (2). Last evaluated 2026-07-03.

Conditions:
Cardiovascular phenotype. Identifiers: MedGen CN230736.
Osteogenesis imperfecta type I (OI1). Also called: Classic Non-deforming Osteogenesis Imperfecta with Blue Sclerae; OI, TYPE I; OSTEOGENESIS IMPERFECTA TARDA; OSTEOGENESIS IMPERFECTA WITH BLUE SCLERAE; Osteogenesis imperfecta type 1; Lobstein's Disease. Identifiers: Orphanet 216796, Orphanet 666, MedGen C0023931, MONDO:0008146, OMIM 166200. Disease mechanism: loss of function.

Allele frequency attached by ClinVar (database versions not stated): gnomAD 0.00003; TOPMed 0.00002; gnomAD exomes 0.00002.
gnomAD v4.1: 10 of 1,610,972 alleles (0.00062%); highest among the groups gnomAD compares: Middle Eastern, 0.016%; no homozygotes.

Submissions (3):

Ambry Genetics
Classification: Likely benign for Cardiovascular phenotype. Last evaluated: 2026-07-03. Review status: criteria provided, single submitter. Criteria: Ambry Variant Classification Scheme 2023. Collection method: clinical testing. Allele origin: germline.

Labcorp Genetics (formerly Invitae), Labcorp
Classification: Likely benign for Osteogenesis imperfecta type I. Last evaluated: 2025-03-18. Review status: criteria provided, single submitter. Criteria: Invitae Variant Classification Sherloc (09022015). Collection method: clinical testing. Allele origin: germline.

GeneDx
Classification: Uncertain significance. Last evaluated: 2020-08-05. Review status: criteria provided, single submitter. Criteria: GeneDx Variant Classification Process June 2021. Collection method: clinical testing. Allele origin: germline. Affected: yes.
Comment: Has not been previously published as pathogenic or benign to our knowledge; Not observed at a significant frequency in large population cohorts (Lek et al., 2016); In silico analysis, which includes protein predictors and evolutionary conservation, supports a deleterious effect; Occurs in the triple helical domain at the X position in the canonical Gly-X-Y repeat; although this variant may have an effect on normal protein folding and function, missense substitution at the X position is not a common mechanism of disease (Stenson et al., 2014)